The following is an entry in ClinVar:

NM_005228.5(EGFR):c.2545C>T (p.Gln849Ter)

Gene: EGFR (epidermal growth factor receptor; plus strand). Cytogenetic location: 7p11.2.
Variant type: single nucleotide variant.
Coding change: c.2545C>T on transcript NM_005228.5 (MANE Select); coding-DNA position 2545, C replaced by T.
Protein change: p.Gln849Ter; replaces glutamine 849 with a stop codon.
Molecular consequence: nonsense.
Genome position (GRCh38, 1-based): chr7:55,191,794, C>T. VCF-style: chr7-55191794-C-T. GRCh37 (hg19) VCF-style: chr7-55259487-C-T.
Other names: c.2410C>T, p.Gln804Ter (NM_001346897.2, NM_001346899.2); c.2545C>T, p.Gln849Ter (NM_001346898.2); c.2386C>T, p.Gln796Ter (NM_001346900.2); c.1744C>T, p.Gln582Ter (NM_001346941.2); c.2545C>T (NM_005228.3); short protein forms Q582*, Q796*, Q804*, Q849*.
Identifiers: ClinVar variation 1023925 (VCV001023925.7), dbSNP rs1787407972, ClinGen allele CA367580213.
Genomic context (GRCh38, chr7:55,191,794, plus strand): 5'-GAGGACCGTCGCTTGGTGCACCGCGACCTGGCAGCCAGGAACGTACTGGTGAAAACACCG[C>T]AGCATGTCAAGATCACAGATTTTGGGCTGGCCAAACTGCTGGGTGCGGAAGAGAAAGAAT-3'

ClinVar aggregate classification (germline): Conflicting classifications of pathogenicity. Review status: criteria provided, conflicting classifications (1 of 4 stars). 2 submissions from 2 submitters: Pathogenic (1); Uncertain significance (1). Last evaluated 2025-12-18.

Conditions:
EGFR-related lung cancer (EGFR). Identifiers: MedGen CN130014.
Hereditary cancer-predisposing syndrome. Also called: Hereditary Cancer Syndrome; Neoplastic Syndromes, Hereditary; Tumor predisposition; Hereditary neoplastic syndrome. Identifiers: Orphanet 140162, MedGen C0027672, MeSH D009386, MONDO:0015356.

Allele frequency attached by ClinVar (database versions not stated): gnomAD exomes below 0.00001.
gnomAD v4.1: 1 of 1,614,106 alleles (0.000062%); highest among the groups gnomAD compares: Non-Finnish European, 0.000085%; no homozygotes.

Submissions (2):

Ambry Genetics
Classification: Uncertain significance for Hereditary cancer-predisposing syndrome. Last evaluated: 2025-12-18. Review status: criteria provided, single submitter. Criteria: Ambry Variant Classification Scheme 2023. Collection method: clinical testing. Allele origin: germline.
Comment: The p.Q849* variant (also known as c.2545C>T), located in coding exon 21 of the EGFR gene, results from a C to T substitution at nucleotide position 2545. This changes the amino acid from a glutamine to a stop codon within coding exon 21. This alteration is expected to result in loss of function by premature protein truncation or nonsense-mediated mRNA decay. Although biallelic loss of function of EGFR is known to cause EGFR-related neonatal inflammatory skin and bowel disease, such associations with EGFR-related lung cancer have not been reported. Based on the supporting evidence, this variant is expected to be causative of EGFR-related neonatal inflammatory skin and bowel disease when present along with a second pathogenic variant on the other allele; however, its clinical significance for EGFR-related lung cancer is unclear.

Labcorp Genetics (formerly Invitae), Labcorp
Classification: Pathogenic for EGFR-related lung cancer. Last evaluated: 2021-10-08. Review status: criteria provided, single submitter. Criteria: Invitae Variant Classification Sherloc (09022015). Collection method: clinical testing. Allele origin: germline.
Comment: For these reasons, this variant has been classified as Pathogenic. ClinVar contains an entry for this variant (Variation ID: 1023925). This variant has not been reported in the literature in individuals affected with EGFR-related conditions. This variant is not present in population databases (ExAC no frequency). This sequence change creates a premature translational stop signal (p.Gln849*) in the EGFR gene. It is expected to result in an absent or disrupted protein product. Loss-of-function variants in EGFR are known to be pathogenic (PMID: 7630400, 28726809, 29899996).

Literature cited by the submitters: PubMed 7630400 (cited by Labcorp Genetics (formerly Invitae), Labcorp); PubMed 28726809 (cited by Labcorp Genetics (formerly Invitae), Labcorp); PubMed 29899996 (cited by Labcorp Genetics (formerly Invitae), Labcorp).